The following is an entry in ClinVar:

ClinVar aggregate classification (germline): Benign/Likely benign. Review status: criteria provided, multiple submitters, no conflicts (2 of 4 stars). 4 submissions from 4 submitters: Benign (1); Likely benign (3). Last evaluated 2026-09-01.

Allele frequency attached by ClinVar (database versions not stated): 1000 Genomes Project 0.00080; 1000 Genomes Project 30x 0.00094; gnomAD 0.00134; TOPMed 0.00160; ESP Exome Variant Server 0.00177.
gnomAD v4.1: 4,092 of 1,614,104 alleles (0.25%); highest among the groups gnomAD compares: Non-Finnish European, 0.32%; 7 homozygotes.

Submissions (4):

CeGaT Center for Human Genetics Tuebingen
Classification: Likely benign. Last evaluated: 2026-09-01. Review status: criteria provided, single submitter. Criteria: CeGaT Center For Human Genetics Tuebingen Variant Classification Criteria Version 2. Collection method: clinical testing. Allele origin: germline. Affected: yes. Observed: 13 variant alleles.
Comment: CIT: BP4, BP7

Labcorp Genetics (formerly Invitae), Labcorp
Classification: Benign. Last evaluated: 2025-12-19. Review status: criteria provided, single submitter. Criteria: Invitae Variant Classification Sherloc (09022015). Collection method: clinical testing. Allele origin: germline.

Blueprint Genetics
Classification: Likely benign. Last evaluated: 2024-11-25. Review status: criteria provided, single submitter. Criteria: ACMG Guidelines, 2015. Collection method: clinical testing. Allele origin: germline.

GeneDx
Classification: Likely benign. Last evaluated: 2021-06-08. Review status: criteria provided, single submitter. Criteria: GeneDx Variant Classification Process June 2021. Collection method: clinical testing. Allele origin: germline. Affected: yes.

NM_001206999.2(CIT):c.3429C>T (p.Leu1143=)

Gene: CIT (citron rho-interacting serine/threonine kinase; minus strand). Cytogenetic location: 12q24.23.
Variant type: single nucleotide variant.
Coding change: c.3429C>T on transcript NM_001206999.2 (MANE Select); coding-DNA position 3429, C replaced by T.
Protein change: p.Leu1143=; no amino-acid change (leucine 1143 retained).
Molecular consequence: synonymous variant.
Genome position (GRCh38, 1-based): chr12:119,730,552, G>A on the plus strand (C>T on the coding strand, the complement: CIT is on the minus strand). VCF-style: chr12-119730552-G-A. GRCh37 (hg19) VCF-style: chr12-120168357-G-A.
Other names: c.3303C>T, p.Leu1101= (NM_007174.3).
Identifiers: ClinVar variation 710453 (VCV000710453.35), dbSNP rs55993032, ClinGen allele CA6821514.